The following is an entry in ClinVar:

NM_004168.4(SDHA):c.893C>G (p.Thr298Arg)

Gene: SDHA (succinate dehydrogenase complex flavoprotein subunit A; plus strand). Cytogenetic location: 5p15.33.
Variant type: single nucleotide variant.
Coding change: c.893C>G on transcript NM_004168.4 (MANE Select); coding-DNA position 893, C replaced by G.
Protein change: p.Thr298Arg; replaces threonine 298 with arginine.
Molecular consequence: missense variant.
Genome position (GRCh38, 1-based): chr5:230,998, C>G. VCF-style: chr5-230998-C-G. GRCh37 (hg19) VCF-style: chr5-231113-C-G.
Other names: c.749C>G, p.Thr250Arg (NM_001294332.2); c.893C>G, p.Thr298Arg (NM_001330758.2); short protein forms T298R, T250R.
Identifiers: ClinVar variation 3793556 (VCV003793556.1).

ClinVar aggregate classification (germline): Uncertain significance (1 of 4 stars; one submission).

Conditions:
Hereditary cancer-predisposing syndrome. Also called: Neoplastic Syndromes, Hereditary; Hereditary Cancer Syndrome; Tumor predisposition; Hereditary neoplastic syndrome. Identifiers: Orphanet 140162, MedGen C0027672, MeSH D009386, MONDO:0015356.

Submission:

Ambry Genetics
Classification: Uncertain significance for Hereditary cancer-predisposing syndrome. Last evaluated: 2025-02-27. Review status: criteria provided, single submitter. Criteria: Ambry Variant Classification Scheme 2023. Collection method: clinical testing. Allele origin: germline.
Comment: The p.T298R variant (also known as c.893C>G), located in coding exon 7 of the SDHA gene, results from a C to G substitution at nucleotide position 893. The threonine at codon 298 is replaced by arginine, an amino acid with similar properties. This amino acid position is conserved. In addition, this alteration is predicted to be deleterious by in silico analysis. Based on the available evidence, the clinical significance of this variant remains unclear.